The following is an entry in ClinVar:

ClinVar aggregate classification (germline): Uncertain significance (1 of 4 stars; one submission).

gnomAD v4.1: 5 of 1,614,210 alleles (0.00031%); highest among the groups gnomAD compares: Non-Finnish European, 0.00034%; no homozygotes.

Submission:

Labcorp Genetics (formerly Invitae), Labcorp
Classification: Uncertain significance. Last evaluated: 2022-08-31. Review status: criteria provided, single submitter. Criteria: Invitae Variant Classification Sherloc (09022015). Collection method: clinical testing. Allele origin: germline.
Comment: In summary, the available evidence is currently insufficient to determine the role of this variant in disease. Therefore, it has been classified as a Variant of Uncertain Significance. Algorithms developed to predict the effect of missense changes on protein structure and function are either unavailable or do not agree on the potential impact of this missense change (SIFT: "Deleterious"; PolyPhen-2: "Benign"; Align-GVGD: "Class C0"). This variant has not been reported in the literature in individuals affected with UPB1-related conditions. This variant is not present in population databases (gnomAD no frequency). This sequence change replaces proline, which is neutral and non-polar, with leucine, which is neutral and non-polar, at codon 69 of the UPB1 protein (p.Pro69Leu).

NM_016327.3(UPB1):c.206C>T (p.Pro69Leu)

Gene: UPB1 (beta-ureidopropionase 1; plus strand). Cytogenetic location: 22q11.23.
Variant type: single nucleotide variant.
Coding change: c.206C>T on transcript NM_016327.3 (MANE Select); coding-DNA position 206, C replaced by T.
Protein change: p.Pro69Leu; replaces proline 69 with leucine.
Molecular consequence: missense variant.
Genome position (GRCh38, 1-based): chr22:24,500,208, C>T. VCF-style: chr22-24500208-C-T. GRCh37 (hg19) VCF-style: chr22-24896176-C-T.
Other names: short protein forms P69L.
Identifiers: ClinVar variation 2061556 (VCV002061556.4), dbSNP rs754115355, ClinGen allele CA410958558.